The following is an entry in ClinVar:

NM_001105206.3(LAMA4):c.640C>T (p.Arg214Cys)

Gene: LAMA4 (laminin subunit alpha 4; minus strand). Cytogenetic location: 6q21.
Variant type: single nucleotide variant.
Coding change: c.640C>T on transcript NM_001105206.3 (MANE Select); coding-DNA position 640, C replaced by T.
Protein change: p.Arg214Cys; replaces arginine 214 with cysteine.
Molecular consequence: missense variant.
Genome position (GRCh38, 1-based): chr6:112,191,714, G>A on the plus strand (C>T on the coding strand, the complement: LAMA4 is on the minus strand). VCF-style: chr6-112191714-G-A. GRCh37 (hg19) VCF-style: chr6-112512916-G-A.
Other names: c.640C>T (LRG_433t2); c.640C>T, p.Arg214Cys (NM_001105207.3, NM_002290.5); short protein forms R214C.
Identifiers: ClinVar variation 424296 (VCV000424296.7), dbSNP rs148801194, ClinGen allele CA3966091.

ClinVar aggregate classification (germline): Uncertain significance. Review status: criteria provided, multiple submitters, no conflicts (2 of 4 stars). 3 submissions from 3 submitters: Uncertain significance (3). Last evaluated 2024-10-16.

Conditions:
Dilated cardiomyopathy 1JJ (CMD1JJ). Identifiers: Orphanet 154, MedGen C3808935, MONDO:0014095, OMIM 615235.
Cardiovascular phenotype. Identifiers: MedGen CN230736.

Allele frequency attached by ClinVar (database versions not stated): gnomAD 0.00001; TOPMed 0.00001; gnomAD exomes 0.00002; ExAC 0.00003; ESP Exome Variant Server 0.00008.
gnomAD v4.1: 29 of 1,614,070 alleles (0.0018%); highest among the groups gnomAD compares: Middle Eastern, 0.017%; no homozygotes.

Submissions (3):

Labcorp Genetics (formerly Invitae), Labcorp
Classification: Uncertain significance for Dilated cardiomyopathy 1JJ. Last evaluated: 2024-10-16. Review status: criteria provided, single submitter. Criteria: Invitae Variant Classification Sherloc (09022015). Collection method: clinical testing. Allele origin: germline.
Comment: This sequence change replaces arginine, which is basic and polar, with cysteine, which is neutral and slightly polar, at codon 214 of the LAMA4 protein (p.Arg214Cys). This variant is present in population databases (rs148801194, gnomAD 0.01%). This variant has not been reported in the literature in individuals affected with LAMA4-related conditions. ClinVar contains an entry for this variant (Variation ID: 424296). Invitae Evidence Modeling of protein sequence and biophysical properties (such as structural, functional, and spatial information, amino acid conservation, physicochemical variation, residue mobility, and thermodynamic stability) indicates that this missense variant is expected to disrupt LAMA4 protein function with a positive predictive value of 80%. In summary, the available evidence is currently insufficient to determine the role of this variant in disease. Therefore, it has been classified as a Variant of Uncertain Significance.

Ambry Genetics
Classification: Uncertain significance for Cardiovascular phenotype. Last evaluated: 2023-11-01. Review status: criteria provided, single submitter. Criteria: Ambry Variant Classification Scheme 2023. Collection method: clinical testing. Allele origin: germline.
Comment: The p.R214C variant (also known as c.640C>T), located in coding exon 5 of the LAMA4 gene, results from a C to T substitution at nucleotide position 640. The arginine at codon 214 is replaced by cysteine, an amino acid with highly dissimilar properties. This amino acid position is not well conserved in available vertebrate species. In addition, the in silico prediction for this alteration is inconclusive. The evidence for this gene-disease relationship is limited; therefore, the clinical significance of this alteration is unclear.

GeneDx
Classification: Uncertain significance. Last evaluated: 2017-03-14. Review status: criteria provided, single submitter. Criteria: GeneDx Variant Classification (06012015). Collection method: clinical testing. Allele origin: germline. Affected: yes.
Comment: A variant of uncertain significance has been identified in the LAMA4 gene. The R214C variant has not been published as pathogenic or been reported as benign to our knowledge. The R214C variant is a non-conservative amino acid substitution, which is likely to impact secondary protein structure as these residues differ in polarity, charge, size and/or other properties. In silico analysis predicts this variant is probably damaging to the protein structure/function. Nevertheless, this substitution occurs at a position that is not conserved across species. Additionally, this variant is observed in 3/16470 (0.02%) alleles from individuals of South Asian ancestry in large population cohorts (Lek et al., 2016; 1000 Genomes Consortium et al., 2015; Exome Variant Server).